The following is an entry in ClinVar:

ClinVar aggregate classification (germline): Uncertain significance (1 of 4 stars; one submission).

Conditions:
Fanconi anemia (FA). Also called: Fanconi's anemia. Identifiers: Orphanet 84, MedGen C0015625, MeSH D005199, MONDO:0019391.

Submission:

Labcorp Genetics (formerly Invitae), Labcorp
Classification: Uncertain significance for Fanconi anemia. Last evaluated: 2021-09-24. Review status: criteria provided, single submitter. Criteria: Invitae Variant Classification Sherloc (09022015). Collection method: clinical testing. Allele origin: germline.
Comment: This sequence change replaces proline with alanine at codon 1037 of the FANCA protein (p.Pro1037Ala). The proline residue is moderately conserved and there is a small physicochemical difference between proline and alanine. This variant is not present in population databases (ExAC no frequency). This variant has not been reported in the literature in individuals with FANCA-related conditions. Advanced modeling of protein sequence and biophysical properties (such as structural, functional, and spatial information, amino acid conservation, physicochemical variation, residue mobility, and thermodynamic stability) performed at Invitae indicates that this missense variant is not expected to disrupt FANCA protein function. In summary, the available evidence is currently insufficient to determine the role of this variant in disease. Therefore, it has been classified as a Variant of Uncertain Significance.

NM_000135.4(FANCA):c.3109C>G (p.Pro1037Ala)

Gene: FANCA (FA complementation group A; minus strand). Cytogenetic location: 16q24.3.
Variant type: single nucleotide variant.
Coding change: c.3109C>G on transcript NM_000135.4 (MANE Select); coding-DNA position 3109, C replaced by G.
Protein change: p.Pro1037Ala; replaces proline 1037 with alanine.
Molecular consequence: missense variant.
Genome position (GRCh38, 1-based): chr16:89,749,860, G>C on the plus strand (C>G on the coding strand, the complement: FANCA is on the minus strand). VCF-style: chr16-89749860-G-C. GRCh37 (hg19) VCF-style: chr16-89816268-G-C.
Other names: c.3109C>G, p.Pro1037Ala (NM_001286167.3); short protein forms P1037A.
Identifiers: ClinVar variation 1524424 (VCV001524424.5), dbSNP rs771174892, ClinGen allele CA397486678.